The following is an entry in ClinVar:

ClinVar aggregate classification (germline): Pathogenic. Review status: criteria provided, multiple submitters, no conflicts (2 of 4 stars). 2 submissions from 2 submitters: Pathogenic (2). Last evaluated 2025-01-08.

Conditions:
Hereditary cancer-predisposing syndrome. Also called: Hereditary Cancer Syndrome; Tumor predisposition; Neoplastic Syndromes, Hereditary; Hereditary neoplastic syndrome. Identifiers: Orphanet 140162, MedGen C0027672, MeSH D009386, MONDO:0015356.
Familial cancer of breast. Also called: hereditary breast carcinoma; BREAST CANCER, FAMILIAL; Hereditary breast cancer. Identifiers: Orphanet 227535, MedGen C0346153, MONDO:0016419, OMIM 114480. Disease mechanism: loss of function.

Submissions (2):

Labcorp Genetics (formerly Invitae), Labcorp
Classification: Pathogenic for Familial cancer of breast. Last evaluated: 2025-01-08. Review status: criteria provided, single submitter. Criteria: Invitae Variant Classification Sherloc (09022015). Collection method: clinical testing. Allele origin: germline.
Comment: This sequence change creates a premature translational stop signal (p.Gln838Aspfs*2) in the PALB2 gene. It is expected to result in an absent or disrupted protein product. Loss-of-function variants in PALB2 are known to be pathogenic (PMID: 17200668, 17200671, 17200672, 24136930, 25099575). This variant is not present in population databases (gnomAD no frequency). This variant has not been reported in the literature in individuals affected with PALB2-related conditions. ClinVar contains an entry for this variant (Variation ID: 2026525). Algorithms developed to predict the effect of sequence changes on RNA splicing suggest that this variant may disrupt the consensus splice site. For these reasons, this variant has been classified as Pathogenic.

Ambry Genetics
Classification: Pathogenic for Hereditary cancer-predisposing syndrome. Last evaluated: 2024-11-26. Review status: criteria provided, single submitter. Criteria: Ambry Variant Classification Scheme 2023. Collection method: clinical testing. Allele origin: germline.
Comment: The c.2512_2513delCA pathogenic mutation, located in coding exon 5 of the PALB2 gene, results from a deletion of two nucleotides at nucleotide positions 2512 to 2513, causing a translational frameshift with a predicted alternate stop codon (p.Q838Dfs*2). This variant is considered to be rare based on population cohorts in the Genome Aggregation Database (gnomAD). This alteration is expected to result in loss of function by premature protein truncation or nonsense-mediated mRNA decay. As such, this alteration is interpreted as a disease-causing mutation.

Literature cited by the submitters: PubMed 17200668 (cited by Labcorp Genetics (formerly Invitae), Labcorp); PubMed 17200671 (cited by Labcorp Genetics (formerly Invitae), Labcorp); PubMed 17200672 (cited by Labcorp Genetics (formerly Invitae), Labcorp); PubMed 24136930 (cited by Labcorp Genetics (formerly Invitae), Labcorp); PubMed 25099575 (cited by Labcorp Genetics (formerly Invitae), Labcorp).

NM_024675.4(PALB2):c.2512_2513del (p.Gln838fs)

Gene: PALB2 (partner and localizer of BRCA2; minus strand). Cytogenetic location: 16p12.2.
Variant type: Deletion.
Coding change: c.2512_2513del on transcript NM_024675.4 (MANE Select); coding-DNA positions 2512 to 2513, 2 bases deleted (CA; older notation c.2512_2513delCA).
Protein change: p.Gln838fs; shifts the reading frame from glutamine 838.
Molecular consequence: frameshift variant.
Genome position (GRCh38, 1-based): chr16:23,629,641-23,629,642, TG deleted on the plus strand (CA on the coding strand, the reverse complement: PALB2 is on the minus strand); deleting any 2 consecutive bases within chr16:23,629,641-23,629,643 gives the same sequence; the c. name uses the placement nearest the transcript's 3' end. VCF-style (leftmost placement, unchanged base first): chr16-23629640-CTG-C. GRCh37 (hg19) VCF-style: chr16-23640961-CTG-C.
Other names: c.2512_2513delCA (NM_024675.3); c.2451_2452delAC, p.Gln818Aspfs (NM_001407296.1); c.2511_2512delAC, p.Gln838Glufs (NM_001407297.1); c.2511_2512delAC, p.Gln838Aspfs (NM_001407298.1, NM_001407299.1, NM_001407300.1 and 2 more transcripts); c.1626_1627delAC, p.Gln543Aspfs (NM_001407304.1, NM_001407305.1, NM_001407306.1 and 5 more transcripts); c.723_724delAC, p.Gln242Aspfs (NM_001407312.1, NM_001407313.1); short protein forms Q838fs.
Identifiers: ClinVar variation 2026525 (VCV002026525.5), dbSNP rs2506402179, ClinGen allele CA2580091312.